The following is an entry in ClinVar:

ClinVar aggregate classification (germline): Uncertain significance (1 of 4 stars; one submission).

Conditions:
Charcot-Marie-Tooth disease type 2. Also called: Charcot-Marie-Tooth type 2. Identifiers: Orphanet 64746, MedGen C0270914, MONDO:0018993.

Submission:

Labcorp Genetics (formerly Invitae), Labcorp
Classification: Uncertain significance for Charcot-Marie-Tooth disease type 2. Last evaluated: 2018-11-02. Review status: criteria provided, single submitter. Criteria: Invitae Variant Classification Sherloc (09022015). Collection method: clinical testing. Allele origin: germline.
Comment: This variant results in a copy number gain of the genomic region encompassing the full coding sequence of the LMNA gene. The boundaries of this event are unknown as they extend beyond the assayed region for this gene and therefore may encompass additional genes. As the precise location of this event is unknown, it may be in tandem or it may be located elsewhere in the genome. This variant has not been reported in the literature in individuals with LMNA-related disease. Experimental studies are not available for this variant, and the functional significance of a copy number gain of this gene is currently unknown. In summary, the available evidence is currently insufficient to determine the role of this variant in disease. Therefore, it has been classified as a Variant of Uncertain Significance.

NC_000001.10:g.(?_155870169)_(156108907_?)dup

Genes: ARHGEF2 (Rho/Rac guanine nucleotide exchange factor 2; minus strand), ARHGEF2-AS1 (ARHGEF2 antisense RNA 1; plus strand), ARHGEF2-AS2 (ARHGEF2 antisense RNA 2; plus strand), KHDC4 (KH domain containing 4, pre-mRNA splicing factor; minus strand), LAMTOR2 (late endosomal/lysosomal adaptor, MAPK and MTOR activator 2; plus strand) and 42 more. Cytogenetic location: 1q22.
Variant type: Duplication.
Identifiers: ClinVar variation 660674 (VCV000660674.2).